The following is an entry in ClinVar:

ClinVar aggregate classification (germline): Uncertain significance (1 of 4 stars; one submission).

gnomAD v4.1: 3 of 1,587,668 alleles (0.00019%); highest among the groups gnomAD compares: Non-Finnish European, 0.00026%; no homozygotes.

Submission:

Ambry Genetics
Classification: Uncertain significance. Last evaluated: 2025-11-19. Review status: criteria provided, single submitter. Criteria: Ambry Variant Classification Scheme 2023. Collection method: clinical testing. Allele origin: germline.
Comment: The p.N1933T variant (also known as c.5798A>C), located in coding exon 23 of the WNK2 gene, results from an A to C substitution at nucleotide position 5798. The asparagine at codon 1933 is replaced by threonine, an amino acid with similar properties. This amino acid position is conserved. In addition, this alteration is predicted to be tolerated by in silico analysis. Based on the available evidence, the clinical significance of this variant remains unclear.

NM_006648.4(WNK2):c.5798A>C (p.Asn1933Thr)

Gene: WNK2 (WNK lysine deficient protein kinase 2; plus strand). Cytogenetic location: 9q22.31.
Variant type: single nucleotide variant.
Coding change: c.5798A>C on transcript NM_006648.4 (MANE Select); coding-DNA position 5798, A replaced by C.
Protein change: p.Asn1933Thr; replaces asparagine 1933 with threonine.
Molecular consequence: missense variant.
Genome position (GRCh38, 1-based): chr9:93,297,942, A>C. VCF-style: chr9-93297942-A-C. GRCh37 (hg19) VCF-style: chr9-96060224-A-C.
Other names: c.5909A>C, p.Asn1970Thr (NM_001282394.3); short protein forms N1933T, N1970T.
Identifiers: ClinVar variation 4605373 (VCV004605373.1).